The following is an entry in ClinVar:

ClinVar aggregate classification (germline): Uncertain significance (1 of 4 stars; one submission).

Conditions:
Cone-rod dystrophy 15 (CORD15). Identifiers: MedGen C3150912, MONDO:0013348, OMIM 613660.

Allele frequency attached by ClinVar (database versions not stated): gnomAD 0.00001; ExAC 0.00007; ESP Exome Variant Server 0.00008; TOPMed 0.00002.
gnomAD v4.1: 47 of 1,614,020 alleles (0.0029%); highest among the groups gnomAD compares: South Asian, 0.014%; no homozygotes.

Submission:

Centre for Mendelian Genomics, University Medical Centre Ljubljana
Classification: Uncertain significance for Cone-rod dystrophy 15. Last evaluated: 2019-08-21. Review status: criteria provided, single submitter. Criteria: ACMG Guidelines, 2015. Collection method: clinical testing. Allele origin: unknown. Affected: yes.
Comment: This variant was classified as: Uncertain significance. The available evidence on this variant's pathogenicity is insufficient or conflicting.

NM_033100.4(CDHR1):c.1114C>T (p.Pro372Ser)

Gene: CDHR1 (cadherin related family member 1; plus strand). Cytogenetic location: 10q23.1.
Variant type: single nucleotide variant.
Coding change: c.1114C>T on transcript NM_033100.4 (MANE Select); coding-DNA position 1114, C replaced by T.
Protein change: p.Pro372Ser; replaces proline 372 with serine.
Molecular consequence: missense variant.
Genome position (GRCh38, 1-based): chr10:84,208,324, C>T. VCF-style: chr10-84208324-C-T. GRCh37 (hg19) VCF-style: chr10-85968080-C-T.
Other names: c.1114C>T, p.Pro372Ser (NM_001171971.3); short protein forms P372S.
Identifiers: ClinVar variation 930755 (VCV000930755.3), dbSNP rs143621397, ClinGen allele CA5579838.